The following is an entry in ClinVar:

ClinVar aggregate classification (germline): Uncertain significance. Review status: criteria provided, multiple submitters, no conflicts (2 of 4 stars). 3 submissions from 3 submitters: Uncertain significance (3). Last evaluated 2025-10-02.

Allele frequency attached by ClinVar (database versions not stated): ESP Exome Variant Server 0.00008; TOPMed 0.00013; gnomAD 0.00014; ExAC 0.00021; 1000 Genomes Project 30x 0.00047; 1000 Genomes Project 0.00060.
gnomAD v4.1: 197 of 1,613,602 alleles (0.012%); highest among the groups gnomAD compares: East Asian, 0.11%; no homozygotes.

Submissions (3):

Ambry Genetics
Classification: Uncertain significance. Last evaluated: 2025-10-02. Review status: criteria provided, single submitter. Criteria: Ambry Variant Classification Scheme 2023. Collection method: clinical testing. Allele origin: germline.

CeGaT Center for Human Genetics Tuebingen
Classification: Uncertain significance. Last evaluated: 2024-05-01. Review status: criteria provided, single submitter. Criteria: CeGaT Center For Human Genetics Tuebingen Variant Classification Criteria Version 2. Collection method: clinical testing. Allele origin: germline. Affected: yes. Observed: 1 variant allele.
Comment: CDC6: PM2

Labcorp Genetics (formerly Invitae), Labcorp
Classification: Uncertain significance. Last evaluated: 2024-01-25. Review status: criteria provided, single submitter. Criteria: Invitae Variant Classification Sherloc (09022015). Collection method: clinical testing. Allele origin: germline.
Comment: This sequence change replaces arginine, which is basic and polar, with cysteine, which is neutral and slightly polar, at codon 378 of the CDC6 protein (p.Arg378Cys). This variant is present in population databases (rs143357695, gnomAD 0.03%). This variant has not been reported in the literature in individuals affected with CDC6-related conditions. An algorithm developed to predict the effect of missense changes on protein structure and function (PolyPhen-2) suggests that this variant is likely to be disruptive. In summary, the available evidence is currently insufficient to determine the role of this variant in disease. Therefore, it has been classified as a Variant of Uncertain Significance.

NM_001254.4(CDC6):c.1132C>T (p.Arg378Cys)

Gene: CDC6 (cell division cycle 6; plus strand). Cytogenetic location: 17q21.2.
Variant type: single nucleotide variant.
Coding change: c.1132C>T on transcript NM_001254.4 (MANE Select); coding-DNA position 1132, C replaced by T.
Protein change: p.Arg378Cys; replaces arginine 378 with cysteine.
Molecular consequence: missense variant.
Genome position (GRCh38, 1-based): chr17:40,295,404, C>T. VCF-style: chr17-40295404-C-T. GRCh37 (hg19) VCF-style: chr17-38451656-C-T.
Other names: c.1132C>T (NM_001254.3); short protein forms R378C.
Identifiers: ClinVar variation 3239079 (VCV003239079.21), dbSNP rs143357695.